The following is an entry in ClinVar:

ClinVar aggregate classification (germline): Uncertain significance (1 of 4 stars; one submission).

Submission:

Labcorp Genetics (formerly Invitae), Labcorp
Classification: Uncertain significance. Last evaluated: 2022-09-01. Review status: criteria provided, single submitter. Criteria: Invitae Variant Classification Sherloc (09022015). Collection method: clinical testing. Allele origin: germline.
Comment: In summary, the available evidence is currently insufficient to determine the role of this variant in disease. Therefore, it has been classified as a Variant of Uncertain Significance. Algorithms developed to predict the effect of missense changes on protein structure and function are either unavailable or do not agree on the potential impact of this missense change (SIFT: "Tolerated"; PolyPhen-2: "Possibly Damaging"; Align-GVGD: "Class C0"). This variant has not been reported in the literature in individuals affected with SCN3A-related conditions. This variant is not present in population databases (gnomAD no frequency). This sequence change replaces alanine, which is neutral and non-polar, with threonine, which is neutral and polar, at codon 1827 of the SCN3A protein (p.Ala1827Thr).

NM_006922.4(SCN3A):c.5479G>A (p.Ala1827Thr)

Gene: SCN3A (sodium voltage-gated channel alpha subunit 3; minus strand). Cytogenetic location: 2q24.3.
Variant type: single nucleotide variant.
Coding change: c.5479G>A on transcript NM_006922.4 (MANE Select); coding-DNA position 5479, G replaced by A.
Protein change: p.Ala1827Thr; replaces alanine 1827 with threonine.
Molecular consequence: missense variant.
Genome position (GRCh38, 1-based): chr2:165,090,674, C>T on the plus strand (G>A on the coding strand, the complement: SCN3A is on the minus strand). VCF-style: chr2-165090674-C-T. GRCh37 (hg19) VCF-style: chr2-165947184-C-T.
Other names: c.5332G>A, p.Ala1778Thr (NM_001081676.2, NM_001081677.2); short protein forms A1827T, A1778T.
Identifiers: ClinVar variation 2123690 (VCV002123690.4), dbSNP rs2468038679, ClinGen allele CA349012176.
Genomic context (GRCh38, chr2:165,090,674, plus strand): 5'-TCCGGTCACCACTGACCATGGGCAGATCCATGGCAATAAGCTGGACTTTGTTGGGTTTTG[C>T]TATGAGAAGAGGAGGATCCAGGGCAGCTGCAAAATCAGAGAGTTTAGAGAACTCTATAAA-3'
Protein context (NP_008853.3, residues 1817-1837): AAALDPPLLI[Ala1827Thr]KPNKVQLIAM